The following is an entry in ClinVar:

ClinVar aggregate classification (germline): Likely benign. Review status: criteria provided, multiple submitters, no conflicts (2 of 4 stars). 2 submissions from 2 submitters: Likely benign (2). Last evaluated 2017-12-18.

Allele frequency attached by ClinVar (database versions not stated): 1000 Genomes Project 0.00040; 1000 Genomes Project 30x 0.00047; gnomAD 0.00138; ESP Exome Variant Server 0.00146; TOPMed 0.00181.
gnomAD v4.1: 4,703 of 1,596,758 alleles (0.29%); highest among the groups gnomAD compares: Non-Finnish European, 0.37%; 12 homozygotes.

Submissions (2):

GeneDx
Classification: Likely benign. Last evaluated: 2017-12-18. Review status: criteria provided, single submitter. Criteria: GeneDx Variant Classification (06012015). Collection method: clinical testing. Allele origin: germline. Affected: yes.
Comment: This variant is considered likely benign or benign based on one or more of the following criteria: it is a conservative change, it occurs at a poorly conserved position in the protein, it is predicted to be benign by multiple in silico algorithms, and/or has population frequency not consistent with disease.

Breakthrough Genomics
Classification: Likely benign. Review status: criteria provided, single submitter. Criteria: ACMG Guidelines, 2015. Collection method: not provided. Allele origin: germline. Inheritance: Autosomal recessive inheritance. Affected: yes.

NM_000722.4(CACNA2D1):c.-40C>G

Gene: CACNA2D1 (calcium voltage-gated channel auxiliary subunit alpha2delta 1; minus strand). Cytogenetic location: 7q21.11.
Variant type: single nucleotide variant.
Coding change: c.-40C>G on transcript NM_000722.4 (MANE Select); 40 bases upstream of the start codon, C replaced by G.
Molecular consequence: 5 prime UTR variant.
Genome position (GRCh38, 1-based): chr7:82,443,499, G>C on the plus strand (C>G on the coding strand, the complement: CACNA2D1 is on the minus strand). VCF-style: chr7-82443499-G-C. GRCh37 (hg19) VCF-style: chr7-82072815-G-C.
Other names: c.-40C>G (LRG_437t1, NM_001302890.2, NM_001366867.1).
Identifiers: ClinVar variation 388230 (VCV000388230.2), dbSNP rs200428602, ClinGen allele CA4318530.
Genomic context (GRCh38, chr7:82,443,499, plus strand): 5'-CAGCAGGCAGCCAGCAGCCATCTTCGCGATCGAAGATCAATGCCCCCTCCCTGCCCAAGC[G>C]GGGGAAGGAGCGGCGCTGGAAACCGCGGGCGGAGGAAGAGCAGCACACGCCGCCGGGACC-3'